The following is an entry in ClinVar:

ClinVar aggregate classification (germline): Likely benign (1 of 4 stars; one submission).

Conditions:
ANK1-related disorder. Also called: ANK1-related condition.

gnomAD v4.1: 128 of 1,612,808 alleles (0.0079%); highest among the groups gnomAD compares: Non-Finnish European, 0.0017%; no homozygotes.

Submission:

PreventionGenetics, part of Exact Sciences
Classification: Likely benign for ANK1-related condition. Last evaluated: 2025-12-30. Review status: criteria provided, single submitter. Criteria: ACMG Guidelines, 2015. Collection method: clinical testing. Allele origin: germline.
Comment: This variant is classified as likely benign based on ACMG/AMP sequence variant interpretation guidelines (Richards et al. 2015 PMID: 25741868, with internal and published modifications).

NM_000037.4(ANK1):c.5395-1110G>A

Gene: ANK1 (ankyrin 1; minus strand). Cytogenetic location: 8p11.21.
Variant type: single nucleotide variant.
Coding change: c.5395-1110G>A on transcript NM_000037.4 (MANE Select); 1110 bases into the intron before coding-DNA position 5395, G replaced by A.
Molecular consequence: intron variant. On other transcripts: missense variant (3).
Genome position (GRCh38, 1-based): chr8:41,664,852, C>T on the plus strand (G>A on the coding strand, the complement: ANK1 is on the minus strand). VCF-style: chr8-41664852-C-T. GRCh37 (hg19) VCF-style: chr8-41522370-C-T.
Other names: c.172G>A, p.Glu58Lys (NM_001142445.2, NM_020478.5, NM_020480.5); c.5518-1110G>A (NM_001142446.2); c.4909-1110G>A (NM_020477.3); c.5395-1110G>A (NM_020475.3, NM_020476.3); short protein forms E58K.
Identifiers: ClinVar variation 4977648 (VCV004977648.1).